The following is an entry in ClinVar:

ClinVar aggregate classification (germline): Likely benign (1 of 4 stars; one submission).

Allele frequency attached by ClinVar (database versions not stated): gnomAD 0.00001.
gnomAD v4.1: 2 of 1,613,480 alleles (0.00012%); highest among the groups gnomAD compares: Non-Finnish European, 0.000085%; no homozygotes.

Submission:

CeGaT Center for Human Genetics Tuebingen
Classification: Likely benign. Last evaluated: 2022-08-01. Review status: criteria provided, single submitter. Criteria: CeGaT Center For Human Genetics Tuebingen Variant Classification Criteria Version 2. Collection method: clinical testing. Allele origin: germline. Affected: yes. Observed: 1 variant allele.
Comment: GLYCTK: BP4, BP7

NM_145262.4(GLYCTK):c.186C>T (p.Asp62=)

Gene: GLYCTK (glycerate kinase; plus strand). Cytogenetic location: 3p21.2.
Variant type: single nucleotide variant.
Coding change: c.186C>T on transcript NM_145262.4 (MANE Select); coding-DNA position 186, C replaced by T.
Protein change: p.Asp62=; no amino-acid change (aspartic acid 62 retained).
Molecular consequence: synonymous variant. On other transcripts: non-coding transcript variant (3).
Genome position (GRCh38, 1-based): chr3:52,290,528, C>T. VCF-style: chr3-52290528-C-T. GRCh37 (hg19) VCF-style: chr3-52324544-C-T.
Other names: c.186C>T, p.Asp62= (NM_001144951.2).
Identifiers: ClinVar variation 2653875 (VCV002653875.24), dbSNP rs1291122748, ClinGen allele CA433882557.